The following is an entry in ClinVar:

ClinVar aggregate classification (germline): Uncertain significance (1 of 4 stars; one submission).

Conditions:
Cardiovascular phenotype. Identifiers: MedGen CN230736.

gnomAD v4.1: 2 of 1,606,204 alleles (0.00012%); highest among the groups gnomAD compares: Non-Finnish European, 0.000085%; no homozygotes.

Submission:

Ambry Genetics
Classification: Uncertain significance for Cardiovascular phenotype. Last evaluated: 2023-04-04. Review status: criteria provided, single submitter. Criteria: Ambry Variant Classification Scheme 2023. Collection method: clinical testing. Allele origin: germline.
Comment: The p.R211L variant (also known as c.632G>T), located in coding exon 1 of the KCNJ5 gene, results from a G to T substitution at nucleotide position 632. The arginine at codon 211 is replaced by leucine, an amino acid with dissimilar properties. This amino acid position is highly conserved in available vertebrate species. In addition, this alteration is predicted to be deleterious by in silico analysis. Since supporting evidence is limited at this time, the clinical significance of this alteration remains unclear.

NM_000890.5(KCNJ5):c.632G>T (p.Arg211Leu)

Gene: KCNJ5 (potassium inwardly rectifying channel subfamily J member 5; plus strand). Cytogenetic location: 11q24.3.
Variant type: single nucleotide variant.
Coding change: c.632G>T on transcript NM_000890.5 (MANE Select); coding-DNA position 632, G replaced by T.
Protein change: p.Arg211Leu; replaces arginine 211 with leucine.
Molecular consequence: missense variant.
Genome position (GRCh38, 1-based): chr11:128,911,905, G>T. VCF-style: chr11-128911905-G-T. GRCh37 (hg19) VCF-style: chr11-128781800-G-T.
Other names: c.632G>T, p.Arg211Leu (NM_001354169.2); short protein forms R211L.
Identifiers: ClinVar variation 2563928 (VCV002563928.2), dbSNP rs778087673, ClinGen allele CA383249419.